The following is an entry in ClinVar:

NM_000245.4(MET):c.912A>G (p.Arg304=)

Gene: MET (MET proto-oncogene, receptor tyrosine kinase; plus strand). Cytogenetic location: 7q31.2.
Variant type: single nucleotide variant.
Coding change: c.912A>G on transcript NM_000245.4 (MANE Select); coding-DNA position 912, A replaced by G.
Protein change: p.Arg304=; no amino-acid change (arginine 304 retained).
Molecular consequence: synonymous variant. On other transcripts: intron variant (1).
Genome position (GRCh38, 1-based): chr7:116,699,996, A>G. VCF-style: chr7-116699996-A-G. GRCh37 (hg19) VCF-style: chr7-116340050-A-G.
Other names: c.912A>G, p.Arg304= (NM_001127500.3, NM_001324401.3); c.-91+27419A>G (NM_001324402.2).
Identifiers: ClinVar variation 454258 (VCV000454258.14), dbSNP rs762885066, ClinGen allele CA4448043.
Genomic context (GRCh38, chr7:116,699,996, plus strand): 5'-AAACTCTGGATTGCATTCCTACATGGAAATGCCTCTGGAGTGTATTCTCACAGAAAAGAG[A>G]AAAAAGAGATCCACAAAGAAGGAAGTGTTTAATATACTTCAGGCTGCGTATGTCAGCAAG-3'
Protein context (NP_000236.2, residues 294-314): MPLECILTEK[Arg304=]KKRSTKKEVF

ClinVar aggregate classification (germline): Benign/Likely benign. Review status: criteria provided, multiple submitters, no conflicts (2 of 4 stars). 4 submissions from 4 submitters: Benign (1); Likely benign (3). Last evaluated 2025-12-22.

Conditions:
Renal cell carcinoma. Identifiers: Orphanet 217071, MedGen C0007134, MeSH D002292, MONDO:0005086, HP:0005584.
Hereditary cancer-predisposing syndrome. Also called: Hereditary Cancer Syndrome; Hereditary neoplastic syndrome; Neoplastic Syndromes, Hereditary; Tumor predisposition. Identifiers: Orphanet 140162, MedGen C0027672, MeSH D009386, MONDO:0015356.
Papillary renal cell carcinoma type 1 (RCCP1). Also called: Renal adenocarcinoma; Renal cell carcinoma 1; Renal cell carcinoma, somatic; RENAL CELL CARCINOMA, PAPILLARY, 1, SOMATIC. Identifiers: Orphanet 47044, MedGen C1336839, OMIM 605074, HP:0011797.

Allele frequency attached by ClinVar (database versions not stated): gnomAD exomes below 0.00001 and 0.00001; gnomAD 0.00001; ExAC 0.00002; TOPMed 0.00002.
gnomAD v4.1: 7 of 1,613,904 alleles (0.00043%); highest among the groups gnomAD compares: Non-Finnish European, 0.00059%; no homozygotes.

Submissions (4):

Labcorp Genetics (formerly Invitae), Labcorp
Classification: Likely benign for Renal cell carcinoma. Last evaluated: 2025-12-22. Review status: criteria provided, single submitter. Criteria: Invitae Variant Classification Sherloc (09022015). Collection method: clinical testing. Allele origin: germline.

Myriad Genetics, Inc.
Classification: Benign for Papillary renal cell carcinoma type 1. Last evaluated: 2024-11-06. Review status: criteria provided, single submitter. Criteria: Myriad Autosomal Dominant, Autosomal Recessive and X-Linked Classification Criteria (2023). Collection method: clinical testing. Allele origin: unknown.
Comment: This variant is considered benign. This variant is a silent/synonymous amino acid change and it is not expected to impact splicing.

Ambry Genetics
Classification: Likely benign for Hereditary cancer-predisposing syndrome. Last evaluated: 2020-01-20. Review status: criteria provided, single submitter. Criteria: Ambry Variant Classification Scheme 2023. Collection method: clinical testing. Allele origin: germline.

GeneDx
Classification: Likely benign. Last evaluated: 2017-04-11. Review status: criteria provided, single submitter. Criteria: GeneDx Variant Classification (06012015). Collection method: clinical testing. Allele origin: germline. Affected: yes.
Comment: This variant is considered likely benign or benign based on one or more of the following criteria: it is a conservative change, it occurs at a poorly conserved position in the protein, it is predicted to be benign by multiple in silico algorithms, and/or has population frequency not consistent with disease.